The following is an entry in ClinVar:

NM_000404.4(GLB1):c.1516C>T (p.Leu506Phe)

Gene: GLB1 (galactosidase beta 1; minus strand). Cytogenetic location: 3p22.3.
Variant type: single nucleotide variant.
Coding change: c.1516C>T on transcript NM_000404.4 (MANE Select); coding-DNA position 1516, C replaced by T.
Protein change: p.Leu506Phe; replaces leucine 506 with phenylalanine.
Molecular consequence: missense variant.
Genome position (GRCh38, 1-based): chr3:33,014,274, G>A on the plus strand (C>T on the coding strand, the complement: GLB1 is on the minus strand). VCF-style: chr3-33014274-G-A. GRCh37 (hg19) VCF-style: chr3-33055766-G-A.
Other names: c.1426C>T, p.Leu476Phe (NM_001079811.3); c.1123C>T, p.Leu375Phe (NM_001135602.3); c.1660C>T, p.Leu554Phe (NM_001317040.2); c.1516C>T, p.Leu506Phe (NM_001393580.1); short protein forms L506F, L375F, L476F, L554F.
Identifiers: ClinVar variation 3572599 (VCV003572599.1).

ClinVar aggregate classification (germline): Uncertain significance (1 of 4 stars; one submission).

Submission:

GeneDx
Classification: Uncertain significance. Last evaluated: 2024-07-08. Review status: criteria provided, single submitter. Criteria: GeneDx Variant Classification Process June 2021. Collection method: clinical testing. Allele origin: germline. Affected: yes.
Comment: Not observed at significant frequency in large population cohorts (gnomAD); In silico analysis supports that this missense variant has a deleterious effect on protein structure/function; Has not been previously published as pathogenic or benign to our knowledge